The following is an entry in ClinVar:

NM_003074.4(SMARCC1):c.1175A>G (p.Lys392Arg)

Gene: SMARCC1 (SWI/SNF related BAF chromatin remodeling complex subunit C1; minus strand). Cytogenetic location: 3p21.31.
Variant type: single nucleotide variant.
Coding change: c.1175A>G on transcript NM_003074.4 (MANE Select); coding-DNA position 1175, A replaced by G.
Protein change: p.Lys392Arg; replaces lysine 392 with arginine.
Molecular consequence: missense variant.
Genome position (GRCh38, 1-based): chr3:47,693,291, T>C on the plus strand (A>G on the coding strand, the complement: SMARCC1 is on the minus strand). VCF-style: chr3-47693291-T-C. GRCh37 (hg19) VCF-style: chr3-47734781-T-C.
Other names: short protein forms K392R.
Identifiers: ClinVar variation 3774201 (VCV003774201.1).

ClinVar aggregate classification (germline): Uncertain significance (1 of 4 stars; one submission).

Submission:

GeneDx
Classification: Uncertain significance. Last evaluated: 2024-09-19. Review status: criteria provided, single submitter. Criteria: GeneDx Variant Classification Process June 2021. Collection method: clinical testing. Allele origin: germline. Affected: yes.
Comment: Not observed at significant frequency in large population cohorts (gnomAD); In silico analysis indicates that this missense variant does not alter protein structure/function; Has not been previously published as pathogenic or benign to our knowledge